The following is an entry in ClinVar:

NM_001371623.1(TCOF1):c.3608_3609del (p.Leu1203fs)

Gene: TCOF1 (treacle ribosome biogenesis factor 1; plus strand). Cytogenetic location: 5q32.
Variant type: Microsatellite.
Coding change: c.3608_3609del on transcript NM_001371623.1 (MANE Select); coding-DNA positions 3608 to 3609, 2 bases deleted (TC; older notation c.3608_3609delTC).
Protein change: p.Leu1203fs; shifts the reading frame from leucine 1203.
Molecular consequence: frameshift variant.
Genome position (GRCh38, 1-based): chr5:150,393,376-150,393,377, TC deleted; deleting any 2 consecutive bases within chr5:150,393,372-150,393,377 gives the same sequence; the c. name uses the placement nearest the transcript's 3' end. VCF-style (leftmost placement, unchanged base first): chr5-150393371-GTC-G. GRCh37 (hg19) VCF-style: chr5-149772934-GTC-G.
Other names: c.3374_3375del, p.Leu1125fs (NM_000356.4); c.3605_3606del, p.Leu1202fs (NM_001135243.2); c.3494_3495del, p.Leu1165fs (NM_001135244.2); c.3377_3378del, p.Leu1126fs (NM_001135245.2); c.3491_3492del, p.Leu1164fs (NM_001195141.2); short protein forms L1125fs, L1126fs, L1164fs, L1165fs, L1202fs, L1203fs.
Identifiers: ClinVar variation 2033596 (VCV002033596.4), dbSNP rs2534375369, ClinGen allele CA2580614783.

ClinVar aggregate classification (germline): Pathogenic (1 of 4 stars; one submission).

Conditions:
Treacher Collins syndrome 1 (TCS1). Also called: TCOF1-Related Treacher Collins Syndrome. Identifiers: Orphanet 861, MedGen CN315775, MONDO:0007944, OMIM 154500.

Submission:

Labcorp Genetics (formerly Invitae), Labcorp
Classification: Pathogenic for Treacher Collins syndrome 1. Last evaluated: 2022-10-01. Review status: criteria provided, single submitter. Criteria: Invitae Variant Classification Sherloc (09022015). Collection method: clinical testing. Allele origin: germline.
Comment: This variant is not present in population databases (gnomAD no frequency). This sequence change creates a premature translational stop signal (p.Leu1202Profs*38) in the TCOF1 gene. It is expected to result in an absent or disrupted protein product. Loss-of-function variants in TCOF1 are known to be pathogenic (PMID: 8894686, 22317976). This variant has not been reported in the literature in individuals affected with TCOF1-related conditions. For these reasons, this variant has been classified as Pathogenic. Algorithms developed to predict the effect of sequence changes on RNA splicing suggest that this variant may disrupt the consensus splice site.

Literature cited by the submitters: PubMed 8894686; PubMed 22317976.